The following is an entry in ClinVar:

NM_001903.5(CTNNA1):c.2347A>G (p.Ile783Val)

Gene: CTNNA1 (catenin alpha 1; plus strand). Cytogenetic location: 5q31.2.
Variant type: single nucleotide variant.
Coding change: c.2347A>G on transcript NM_001903.5 (MANE Select); coding-DNA position 2347, A replaced by G.
Protein change: p.Ile783Val; replaces isoleucine 783 with valine.
Molecular consequence: missense variant. On other transcripts: intron variant (1).
Genome position (GRCh38, 1-based): chr5:138,932,626, A>G. VCF-style: chr5-138932626-A-G. GRCh37 (hg19) VCF-style: chr5-138268315-A-G.
Other names: c.2347A>G, p.Ile783Val (NM_001290307.3, NM_001323982.2, NM_001323983.1 and 2 more transcripts); c.2038A>G, p.Ile680Val (NM_001290309.3); c.1978A>G, p.Ile660Val (NM_001290310.3); c.1237A>G, p.Ile413Val (NM_001290312.1, NM_001323987.1, NM_001323988.1 and 16 more transcripts); c.2254A>G, p.Ile752Val (NM_001323986.2); c.898A>G, p.Ile300Val (NM_001324006.1, NM_001324007.1, NM_001324008.1 and 2 more transcripts); c.1144A>G, p.Ile382Val (NM_001324011.1); c.994A>G, p.Ile332Val (NM_001324012.1, NM_001324013.1); and 1 more; short protein forms I300V, I382V, I413V, I660V, I680V, I752V, I332V, I783V.
Identifiers: ClinVar variation 1789932 (VCV001789932.6), dbSNP rs2533912595, ClinGen allele CA361134375.

ClinVar aggregate classification (germline): Uncertain significance. Review status: criteria provided, multiple submitters, no conflicts (2 of 4 stars). 2 submissions from 2 submitters: Uncertain significance (2). Last evaluated 2025-11-15.

Conditions:
Hereditary cancer-predisposing syndrome. Also called: Hereditary Cancer Syndrome; Hereditary neoplastic syndrome; Tumor predisposition; Neoplastic Syndromes, Hereditary. Identifiers: Orphanet 140162, MedGen C0027672, MeSH D009386, MONDO:0015356.

Submissions (2):

Ambry Genetics
Classification: Uncertain significance for Hereditary cancer-predisposing syndrome. Last evaluated: 2025-11-15. Review status: criteria provided, single submitter. Criteria: Ambry Variant Classification Scheme 2023. Collection method: clinical testing. Allele origin: germline.
Comment: The p.I783V variant (also known as c.2347A>G), located in coding exon 16 of the CTNNA1 gene, results from an A to G substitution at nucleotide position 2347. The isoleucine at codon 783 is replaced by valine, an amino acid with highly similar properties. This amino acid position is conserved. In addition, the in silico prediction for this alteration is inconclusive. Since supporting evidence is limited at this time, the clinical significance of this alteration remains unclear.

Labcorp Genetics (formerly Invitae), Labcorp
Classification: Uncertain significance. Last evaluated: 2023-02-20. Review status: criteria provided, single submitter. Criteria: Invitae Variant Classification Sherloc (09022015). Collection method: clinical testing. Allele origin: germline.
Comment: In summary, the available evidence is currently insufficient to determine the role of this variant in disease. Therefore, it has been classified as a Variant of Uncertain Significance. An algorithm developed to predict the effect of missense changes on protein structure and function (PolyPhen-2) suggests that this variant is likely to be disruptive. ClinVar contains an entry for this variant (Variation ID: 1789932). This variant has not been reported in the literature in individuals affected with CTNNA1-related conditions. This variant is not present in population databases (gnomAD no frequency). This sequence change replaces isoleucine, which is neutral and non-polar, with valine, which is neutral and non-polar, at codon 783 of the CTNNA1 protein (p.Ile783Val).